The following is an entry in ClinVar:

ClinVar aggregate classification (germline): Benign. Review status: criteria provided, multiple submitters, no conflicts (2 of 4 stars). 2 submissions from 2 submitters: Benign (2). Last evaluated 2018-01-13.

Conditions:
Biotin-responsive basal ganglia disease (BTBGD). Also called: Thiamine Transporter-2 Deficiency; THIAMINE METABOLISM DYSFUNCTION SYNDROME 2 (BIOTIN- AND THIAMINE-RESPONSIVE TYPE); Thiamine metabolism dysfunction syndrome type 2; Thiamine metabolism dysfunction syndrome 2 (biotin- or thiamine-responsive encephalopathy type 2); thiamine-responsive encephalopathy. Identifiers: Orphanet 199348, Orphanet 65284, MedGen C1843807, MONDO:0011841, OMIM 607483.

Allele frequency attached by ClinVar (database versions not stated): gnomAD 0.07443 and 0.07935; TOPMed 0.08325; 1000 Genomes Project 0.08446; 1000 Genomes Project 30x 0.09525.

Submissions (2):

Illumina Laboratory Services, Illumina
Classification: Benign for Biotin-responsive basal ganglia disease. Last evaluated: 2018-01-13. Review status: criteria provided, single submitter. Criteria: ICSL Variant Classification Criteria 13 December 2019. Collection method: clinical testing. Allele origin: germline.
Comment: This variant was observed in the ICSL laboratory as part of a predisposition screen in an ostensibly healthy population. It had not been previously curated by ICSL or reported in the Human Gene Mutation Database (HGMD: prior to June 1st, 2018), and was therefore a candidate for classification through an automated scoring system. Utilizing variant allele frequency, disease prevalence and penetrance estimates, and inheritance mode, an automated score was calculated to assess if this variant is too frequent to cause the disease. Based on the score and internal cut-off values, a variant classified as benign is not then subjected to further curation. The score for this variant resulted in a classification of benign for this disease.

Breakthrough Genomics
Classification: Benign. Review status: criteria provided, single submitter. Criteria: ACMG Guidelines, 2015. Collection method: not provided. Allele origin: germline. Inheritance: Autosomal recessive inheritance. Affected: yes.

NM_025243.4(SLC19A3):c.*2130T>C

Gene: SLC19A3 (solute carrier family 19 member 3; minus strand). Cytogenetic location: 2q36.3.
Variant type: single nucleotide variant.
Coding change: c.*2130T>C on transcript NM_025243.4 (MANE Select); 2130 bases downstream of the stop codon, T replaced by C.
Molecular consequence: 3 prime UTR variant.
Genome position (GRCh38, 1-based): chr2:227,685,267, A>G on the plus strand (T>C on the coding strand, the complement: SLC19A3 is on the minus strand). VCF-style: chr2-227685267-A-G. GRCh37 (hg19) VCF-style: chr2-228549983-A-G.
Identifiers: ClinVar variation 334832 (VCV000334832.6), dbSNP rs114055204, ClinGen allele CA10613045.
Genomic context (GRCh38, chr2:227,685,267, plus strand): 5'-AGATAGTTTGTAAGAAAAGGGGTTTAATTAGCTCACAGGCTATATAGGAAGCGTGGCAAC[A>G]TCTGCTTCTAGGGAGTCCTCGGGGAATTTTTACTCATGGCAGAAGGCAAAGTGGGAGCAG-3'